The following is an entry in ClinVar:

NM_022356.4(P3H1):c.1626G>A (p.Thr542=)

Gene: P3H1 (prolyl 3-hydroxylase 1; minus strand). Cytogenetic location: 1p34.2.
Variant type: single nucleotide variant.
Coding change: c.1626G>A on transcript NM_022356.4 (MANE Select); coding-DNA position 1626, G replaced by A.
Protein change: p.Thr542=; no amino-acid change (threonine 542 retained).
Molecular consequence: synonymous variant.
Genome position (GRCh38, 1-based): chr1:42,750,280, C>T on the plus strand (G>A on the coding strand, the complement: P3H1 is on the minus strand). VCF-style: chr1-42750280-C-T. GRCh37 (hg19) VCF-style: chr1-43215951-C-T.
Other names: c.1626G>A, p.Thr542= (NM_001146289.2, NM_001243246.2).
Identifiers: ClinVar variation 468970 (VCV000468970.22), dbSNP rs577059613, ClinGen allele CA801754.
Genomic context (GRCh38, chr1:42,750,280, plus strand): 5'-GGAAAAGTAGAGGGGCGTATCCAGGCGGAAGTAGGACTCCATGATGCGCCGCACCTTCTC[C>T]GTCACGTTGTAGTACAGGTGGGCACTCTGCAGAGGAACTTTGCCTTCTTGCCCCAGCTGC-3'
Protein context (NP_071751.3, residues 532-552): LQSAHLYYNV[Thr542=]EKVRRIMESY

ClinVar aggregate classification (germline): Conflicting classifications of pathogenicity. Review status: criteria provided, conflicting classifications (1 of 4 stars). 6 submissions from 5 submitters: Uncertain significance (1); Benign (3); Likely benign (2). Last evaluated 2026-02-02.

Conditions:
Osteogenesis imperfecta type 8 (OI8). Identifiers: MedGen C1970458, MONDO:0012581, OMIM 610915.
Osteogenesis Imperfecta, Recessive.
Osteogenesis imperfecta (OI). Identifiers: Orphanet 666, MedGen C0029434, MeSH D010013, MONDO:0019019.

Allele frequency attached by ClinVar (database versions not stated): gnomAD 0.00007 and 0.00080; TOPMed 0.00022; ExAC 0.00302; 1000 Genomes Project 30x 0.00515; 1000 Genomes Project 0.00579.
gnomAD v4.1: 1,996 of 1,614,054 alleles (0.12%); highest among the groups gnomAD compares: South Asian, 2%; 31 homozygotes.

Submissions (6):

Labcorp Genetics (formerly Invitae), Labcorp
Classification: Benign for Osteogenesis imperfecta type 8. Last evaluated: 2026-02-02. Review status: criteria provided, single submitter. Criteria: Invitae Variant Classification Sherloc (09022015). Collection method: clinical testing. Allele origin: germline.

ARUP Laboratories, Molecular Genetics and Genomics, ARUP Laboratories
Classification: Benign for Osteogenesis imperfecta type 8. Last evaluated: 2024-05-15. Review status: criteria provided, single submitter. Criteria: ARUP Molecular Germline Variant Investigation Process 2024. Collection method: clinical testing. Allele origin: germline.

Genome Diagnostics Laboratory, The Hospital for Sick Children
Classification: Likely benign for Osteogenesis imperfecta. Last evaluated: 2022-07-18. Review status: criteria provided, single submitter. Criteria: ACMG Guidelines, 2015. Collection method: clinical testing. Allele origin: germline.

GeneDx
Classification: Likely benign. Last evaluated: 2018-09-26. Review status: criteria provided, single submitter. Criteria: GeneDx Variant Classification Process June 2021. Collection method: clinical testing. Allele origin: germline. Affected: yes.

Illumina Laboratory Services, Illumina
Classification: Benign for Osteogenesis imperfecta type 8. Last evaluated: 2018-01-13. Review status: criteria provided, single submitter. Criteria: ICSL Variant Classification Criteria 13 December 2019. Collection method: clinical testing. Allele origin: germline.
Comment: This variant was observed in the ICSL laboratory as part of a predisposition screen in an ostensibly healthy population. It had not been previously curated by ICSL or reported in the Human Gene Mutation Database (HGMD: prior to June 1st, 2018), and was therefore a candidate for classification through an automated scoring system. Utilizing variant allele frequency, disease prevalence and penetrance estimates, and inheritance mode, an automated score was calculated to assess if this variant is too frequent to cause the disease. Based on the score and internal cut-off values, a variant classified as benign is not then subjected to further curation. The score for this variant resulted in a classification of benign for this disease.

Illumina Laboratory Services, Illumina
Classification: Uncertain significance for Osteogenesis Imperfecta, Recessive. Last evaluated: 2017-04-27. Review status: criteria provided, single submitter. Criteria: ICSL Variant Classification Criteria 13 December 2019. Collection method: clinical testing. Allele origin: germline.